The following is an entry in ClinVar:

NM_003560.4(PLA2G6):c.*350C>A

Gene: PLA2G6 (phospholipase A2 group VI; minus strand). Cytogenetic location: 22q13.1.
Variant type: single nucleotide variant.
Coding change: c.*350C>A on transcript NM_003560.4 (MANE Select); 350 bases downstream of the stop codon, C replaced by A.
Molecular consequence: 3 prime UTR variant.
Genome position (GRCh38, 1-based): chr22:38,111,811, G>T on the plus strand (C>A on the coding strand, the complement: PLA2G6 is on the minus strand). VCF-style: chr22-38111811-G-T. GRCh37 (hg19) VCF-style: chr22-38507818-G-T.
Other names: c.*350C>A (NM_001004426.3, NM_001199562.3, NM_001349864.2 and 5 more transcripts).
Identifiers: ClinVar variation 341629 (VCV000341629.6), dbSNP rs11570770, ClinGen allele CA10651304.
Genomic context (GRCh38, chr22:38,111,811, plus strand): 5'-GGCTGCACCCACCAGGAAGCCTGGGAGTGCCCTTGCTGGGGGCTGGGGCAGAGGCAGCCC[G>T]GCAGGCCCTCAGGGAGGCTGGGGCTGGGGGCAGGGGTACGGTTGTGCCCGGGTACCCTTA-3'

ClinVar aggregate classification (germline): Benign. Review status: criteria provided, multiple submitters, no conflicts (2 of 4 stars). 2 submissions from 2 submitters: Benign (2). Last evaluated 2018-01-13.

Conditions:
PLA2G6-associated neurodegeneration (PLAN). Also called: phospholipase A2-associated neurodegeneration. Identifiers: Orphanet 329303, MedGen CN204472, MONDO:0017998.

Allele frequency attached by ClinVar (database versions not stated): 1000 Genomes Project 0.11841; 1000 Genomes Project 30x 0.11836; TOPMed 0.09991.
gnomAD v4.1: 36,255 of 369,066 alleles (9.8%); highest among the groups gnomAD compares: East Asian, 14%; 1,994 homozygotes.

Submissions (2):

Illumina Laboratory Services, Illumina
Classification: Benign for PLA2G6-associated neurodegeneration. Last evaluated: 2018-01-13. Review status: criteria provided, single submitter. Criteria: ICSL Variant Classification Criteria 13 December 2019. Collection method: clinical testing. Allele origin: germline.
Comment: This variant was observed in the ICSL laboratory as part of a predisposition screen in an ostensibly healthy population. It had not been previously curated by ICSL or reported in the Human Gene Mutation Database (HGMD: prior to June 1st, 2018), and was therefore a candidate for classification through an automated scoring system. Utilizing variant allele frequency, disease prevalence and penetrance estimates, and inheritance mode, an automated score was calculated to assess if this variant is too frequent to cause the disease. Based on the score and internal cut-off values, a variant classified as benign is not then subjected to further curation. The score for this variant resulted in a classification of benign for this disease.

Breakthrough Genomics
Classification: Benign. Review status: criteria provided, single submitter. Criteria: ACMG Guidelines, 2015. Collection method: not provided. Allele origin: germline. Inheritance: Autosomal recessive inheritance. Affected: yes.